The following is an entry in ClinVar:

NM_000565.4(IL6R):c.1231G>A (p.Gly411Arg)

Gene: IL6R (interleukin 6 receptor; plus strand). Cytogenetic location: 1q21.3.
Variant type: single nucleotide variant.
Coding change: c.1231G>A on transcript NM_000565.4 (MANE Select); coding-DNA position 1231, G replaced by A.
Protein change: p.Gly411Arg; replaces glycine 411 with arginine.
Molecular consequence: missense variant. On other transcripts: 3 prime UTR variant (2).
Genome position (GRCh38, 1-based): chr1:154,465,204, G>A. VCF-style: chr1-154465204-G-A. GRCh37 (hg19) VCF-style: chr1-154437680-G-A.
Other names: c.1330G>A, p.Gly444Arg (NM_001382769.1); c.1324G>A, p.Gly442Arg (NM_001382770.1); c.1279G>A, p.Gly427Arg (NM_001382771.1); c.1225G>A, p.Gly409Arg (NM_001382772.1); c.*39G>A (NM_001382773.1, NM_181359.3); c.871G>A, p.Gly291Arg (NM_001382774.1); short protein forms G409R, G427R, G411R, G442R, G444R, G291R.
Identifiers: ClinVar variation 2408361 (VCV002408361.4), dbSNP rs780683821, ClinGen allele CA1129327.

ClinVar aggregate classification (germline): Uncertain significance. Review status: criteria provided, multiple submitters, no conflicts (2 of 4 stars). 2 submissions from 2 submitters: Uncertain significance (2). Last evaluated 2023-12-09.

Allele frequency attached by ClinVar (database versions not stated): gnomAD exomes below 0.00001; ExAC 0.00001; gnomAD 0.00001; TOPMed 0.00002.
gnomAD v4.1: 8 of 1,613,994 alleles (0.0005%); highest among the groups gnomAD compares: South Asian, 0.0066%; no homozygotes.

Submissions (2):

Labcorp Genetics (formerly Invitae), Labcorp
Classification: Uncertain significance. Last evaluated: 2023-12-09. Review status: criteria provided, single submitter. Criteria: Invitae Variant Classification Sherloc (09022015). Collection method: clinical testing. Allele origin: germline.
Comment: This sequence change replaces glycine, which is neutral and non-polar, with arginine, which is basic and polar, at codon 411 of the IL6R protein (p.Gly411Arg). This variant is present in population databases (rs780683821, gnomAD 0.006%). This variant has not been reported in the literature in individuals affected with IL6R-related conditions. ClinVar contains an entry for this variant (Variation ID: 2408361). An algorithm developed to predict the effect of missense changes on protein structure and function (PolyPhen-2) suggests that this variant is likely to be disruptive. In summary, the available evidence is currently insufficient to determine the role of this variant in disease. Therefore, it has been classified as a Variant of Uncertain Significance.

Ambry Genetics
Classification: Uncertain significance. Last evaluated: 2021-07-15. Review status: criteria provided, single submitter. Criteria: Ambry Variant Classification Scheme 2023. Collection method: clinical testing. Allele origin: germline.